The following is an entry in ClinVar:

NM_001197104.2(KMT2A):c.6773G>C (p.Ser2258Thr)

Gene: KMT2A (lysine methyltransferase 2A; plus strand). Cytogenetic location: 11q23.3.
Variant type: single nucleotide variant.
Coding change: c.6773G>C on transcript NM_001197104.2 (MANE Select); coding-DNA position 6773, G replaced by C.
Protein change: p.Ser2258Thr; replaces serine 2258 with threonine.
Molecular consequence: missense variant.
Genome position (GRCh38, 1-based): chr11:118,502,665, G>C. VCF-style: chr11-118502665-G-C. GRCh37 (hg19) VCF-style: chr11-118373380-G-C.
Other names: c.6863G>C, p.Ser2288Thr (NM_001412597.1); c.6764G>C, p.Ser2255Thr (NM_005933.4); short protein forms S2288T, S2255T, S2258T.
Identifiers: ClinVar variation 2752109 (VCV002752109.3), dbSNP rs1555046152, ClinGen allele CA382802969.
Genomic context (GRCh38, chr11:118,502,665, plus strand): 5'-ATCTTGAATCAAGTGCCAAAGTAGTTGATCATGTCTTAGGGCCACTGAATTCAAGTACTA[G>C]TTTAGGGCAAAACACTTCCACCTCTTCAAATTTGCAAAGGACAGTGGTTACTGTAGGCAA-3'
Protein context (NP_001184033.1, residues 2248-2268): HVLGPLNSST[Ser2258Thr]LGQNTSTSSN

ClinVar aggregate classification (germline): Uncertain significance (1 of 4 stars; one submission).

Submission:

Labcorp Genetics (formerly Invitae), Labcorp
Classification: Uncertain significance. Last evaluated: 2023-08-11. Review status: criteria provided, single submitter. Criteria: Invitae Variant Classification Sherloc (09022015). Collection method: clinical testing. Allele origin: germline.
Comment: This variant has not been reported in the literature in individuals affected with KMT2A-related conditions. Advanced modeling of protein sequence and biophysical properties (such as structural, functional, and spatial information, amino acid conservation, physicochemical variation, residue mobility, and thermodynamic stability) performed at Invitae indicates that this missense variant is not expected to disrupt KMT2A protein function. In summary, the available evidence is currently insufficient to determine the role of this variant in disease. Therefore, it has been classified as a Variant of Uncertain Significance. This sequence change replaces serine, which is neutral and polar, with threonine, which is neutral and polar, at codon 2258 of the KMT2A protein (p.Ser2258Thr). This variant is not present in population databases (gnomAD no frequency).